The following is an entry in ClinVar:

ClinVar aggregate classification (germline): Likely pathogenic (1 of 4 stars; one submission).

Submission:

GeneDx
Classification: Likely pathogenic. Last evaluated: 2026-06-09. Review status: criteria provided, single submitter. Criteria: GeneDx Variant Classification Process June 2021. Collection method: clinical testing. Allele origin: germline.
Comment: Not observed at significant frequency in large population cohorts (gnomAD); In silico analysis supports that this missense variant has a deleterious effect on protein structure/function; This variant is associated with the following publications: (PMID: 35982159, 33057194)

NM_001690.4(ATP6V1A):c.634C>T (p.Arg212Cys)

Gene: ATP6V1A (ATPase H+ transporting V1 subunit A; plus strand). Cytogenetic location: 3q13.31.
Variant type: single nucleotide variant.
Coding change: c.634C>T on transcript NM_001690.4 (MANE Select); coding-DNA position 634, C replaced by T.
Protein change: p.Arg212Cys; replaces arginine 212 with cysteine.
Molecular consequence: missense variant.
Genome position (GRCh38, 1-based): chr3:113,786,301, C>T. VCF-style: chr3-113786301-C-T. GRCh37 (hg19) VCF-style: chr3-113505148-C-T.
Other names: short protein forms R212C.
Identifiers: ClinVar variation 1803505 (VCV001803505.2), dbSNP rs2549720448, ClinGen allele CA354010845.
Genomic context (GRCh38, chr3:113,786,301, plus strand): 5'-TTGGAGCTTGAATTTGAAGGTGTAAAGGAGAAGTTCACCATGGTGCAAGTATGGCCTGTA[C>T]GTCAAGTTCGACCTGTCACTGAGAAGCTGCCAGCCAATCATCCTCTGTTGACTGGCCAGA-3'
Protein context (NP_001681.2, residues 202-222): KFTMVQVWPV[Arg212Cys]QVRPVTEKLP